The following is an entry in ClinVar:

ClinVar aggregate classification (germline): Likely benign. Review status: criteria provided, multiple submitters, no conflicts (2 of 4 stars). 2 submissions from 2 submitters: Likely benign (2). Last evaluated 2018-01-13.

Conditions:
Inherited glutathione synthetase deficiency. Identifiers: Orphanet 32, MedGen C5979912, MONDO:0017909.

Allele frequency attached by ClinVar (database versions not stated): 1000 Genomes Project 30x 0.00047; 1000 Genomes Project 0.00060; TOPMed 0.00146.
gnomAD v4.1: 1,441 of 1,564,530 alleles (0.092%); highest among the groups gnomAD compares: Middle Eastern, 0.37%; 3 homozygotes.

Submissions (2):

Illumina Laboratory Services, Illumina
Classification: Likely benign for Glutathione synthetase deficiency with 5-oxoprolinuria. Last evaluated: 2018-01-13. Review status: criteria provided, single submitter. Criteria: ICSL Variant Classification Criteria 13 December 2019. Collection method: clinical testing. Allele origin: germline.
Comment: This variant was observed in the ICSL laboratory as part of a predisposition screen in an ostensibly healthy population. It had not been previously curated by ICSL or reported in the Human Gene Mutation Database (HGMD: prior to June 1st, 2018), and was therefore a candidate for classification through an automated scoring system. Utilizing variant allele frequency, disease prevalence and penetrance estimates, and inheritance mode, an automated score was calculated to assess if this variant is too frequent to cause the disease. Based on the score and internal cut-off values, a variant classified as likely benign is not then subjected to further curation. The score for this variant resulted in a classification of likely benign for this disease.

Breakthrough Genomics
Classification: Likely benign. Review status: criteria provided, single submitter. Criteria: ACMG Guidelines, 2015. Collection method: not provided. Allele origin: germline. Inheritance: Autosomal recessive inheritance. Affected: yes.

NM_000178.4(GSS):c.*69G>T

Gene: GSS (glutathione synthetase; minus strand). Cytogenetic location: 20q11.22.
Variant type: single nucleotide variant.
Coding change: c.*69G>T on transcript NM_000178.4 (MANE Select); 69 bases downstream of the stop codon, G replaced by T.
Molecular consequence: 3 prime UTR variant.
Genome position (GRCh38, 1-based): chr20:34,928,759, C>A on the plus strand (G>T on the coding strand, the complement: GSS is on the minus strand). VCF-style: chr20-34928759-C-A. GRCh37 (hg19) VCF-style: chr20-33516562-C-A.
Other names: c.*69G>T (LRG_1168t1, NM_001322494.1, NM_001322495.1).
Identifiers: ClinVar variation 338291 (VCV000338291.6), dbSNP rs200882573, ClinGen allele CA10649652.